The following is an entry in ClinVar:

ClinVar aggregate classification (germline): Likely benign. Review status: criteria provided, multiple submitters, no conflicts (2 of 4 stars). 5 submissions from 5 submitters: Likely benign (4). 1 of the submissions does not count toward it. Last evaluated 2026-07-01.

Conditions:
BCS1L-related disorder. Also called: BCS1L-related condition; BCS1L-related disorders. Identifiers: MedGen CN239240.
Pili torti-deafness syndrome (BJS). Also called: PILI TORTI AND NERVE DEAFNESS; Bjornstad syndrome. Identifiers: Orphanet 123, MedGen C0266006, MONDO:0009872, OMIM 262000.
GRACILE syndrome (FLNMS). Also called: FELLMAN SYNDROME; FINNISH LETHAL NEONATAL METABOLIC SYNDROME. Identifiers: Orphanet 53693, MedGen C1864002, MONDO:0011308, OMIM 603358.
Mitochondrial complex III deficiency nuclear type 1. Identifiers: Orphanet 254902, MedGen C3541471, MONDO:0007415, OMIM 124000.

Allele frequency attached by ClinVar (database versions not stated): gnomAD exomes below 0.00001 and 0.00001; gnomAD 0.00001; TOPMed 0.00001.
gnomAD v4.1: 8 of 1,614,112 alleles (0.0005%); highest among the groups gnomAD compares: East Asian, 0.011%; no homozygotes.

Submissions (5):

CeGaT Center for Human Genetics Tuebingen
Classification: Likely benign. Last evaluated: 2026-07-01. Review status: criteria provided, single submitter. Criteria: CeGaT Center For Human Genetics Tuebingen Variant Classification Criteria Version 2. Collection method: clinical testing. Allele origin: germline. Affected: yes. Observed: 1 variant allele.
Comment: BCS1L: BP4, BP7

PreventionGenetics, part of Exact Sciences
Classification: Likely benign for BCS1L-related condition. Last evaluated: 2026-06-18. Review status: criteria provided, single submitter. Criteria: ACMG Guidelines, 2015. Collection method: clinical testing. Allele origin: germline.
Comment: This variant is classified as likely benign based on ACMG/AMP sequence variant interpretation guidelines (Richards et al. 2015 PMID: 25741868, with internal and published modifications).

Labcorp Genetics (formerly Invitae), Labcorp
Classification: Likely benign. Last evaluated: 2025-04-30. Review status: criteria provided, single submitter. Criteria: Invitae Variant Classification Sherloc (09022015). Collection method: clinical testing. Allele origin: germline.

Fulgent Genetics
Classification: Likely benign for Mitochondrial complex III deficiency nuclear type 1; Pili torti-deafness syndrome; GRACILE syndrome. Last evaluated: 2021-10-16. Review status: criteria provided, single submitter. Criteria: ACMG Guidelines, 2015. Collection method: clinical testing. Allele origin: unknown.

Natera, Inc.
Classification: Uncertain significance for GRACILE syndrome. Last evaluated: 2020-03-10. Review status: no assertion criteria provided. Collection method: clinical testing. Allele origin: germline. Not counted in ClinVar's aggregate classification.

NM_001079866.2(BCS1L):c.348A>G (p.Glu116=)

Gene: BCS1L (BCS1 ubiquinol-cytochrome c reductase complex chaperone; plus strand). Cytogenetic location: 2q35.
Variant type: single nucleotide variant.
Coding change: c.348A>G on transcript NM_001079866.2 (MANE Select); coding-DNA position 348, A replaced by G.
Protein change: p.Glu116=; no amino-acid change (glutamic acid 116 retained).
Molecular consequence: synonymous variant. On other transcripts: 5 prime UTR variant (7), non-coding transcript variant (1), intron variant (1).
Genome position (GRCh38, 1-based): chr2:218,661,433, A>G. VCF-style: chr2-218661433-A-G. GRCh37 (hg19) VCF-style: chr2-219526156-A-G.
Other names: c.348A>G, p.Glu116= (NM_001257342.2, NM_001257343.2, NM_001257344.2 and 10 more transcripts); c.-13A>G (NM_001318836.2, NM_001371451.1); c.-129A>G (NM_001371453.1, NM_001371454.1, NM_001371455.1 and 2 more transcripts); c.-41-326A>G (NM_001371452.1).
Identifiers: ClinVar variation 794371 (VCV000794371.14), dbSNP rs1285254792, ClinGen allele CA431233257.
Genomic context (GRCh38, chr2:218,661,433, plus strand): 5'-TTCACTCACTCAGTTTTGATCGTTCTTATTCAGGTATCGGGGGAAATGGATTCGGGTAGA[A>G]CGAAGTCGAGAGATGCAGATGATAGACTTGCAGACGGGGACTCCTTGGGAATCTGTCACC-3'
Protein context (NP_001073335.1, residues 106-126): IWYRGKWIRV[Glu116=]RSREMQMIDL